The following is an entry in ClinVar:

ClinVar aggregate classification (germline): Uncertain significance (1 of 4 stars; one submission).

Conditions:
Hereditary cancer-predisposing syndrome. Also called: Neoplastic Syndromes, Hereditary; Tumor predisposition; Hereditary Cancer Syndrome; Hereditary neoplastic syndrome. Identifiers: Orphanet 140162, MedGen C0027672, MeSH D009386, MONDO:0015356.

Submission:

Color Diagnostics, LLC DBA Color Health
Classification: Uncertain significance for Hereditary cancer-predisposing syndrome. Last evaluated: 2024-12-23. Review status: criteria provided, single submitter. Criteria: ACMG Guidelines, 2015. Collection method: clinical testing. Allele origin: germline.
Comment: This missense variant replaces arginine with lysine at codon 244 of the BAP1 protein. Computational prediction suggests that this variant may not impact protein structure and function (internally defined REVEL score threshold <= 0.5, PMID: 27666373). To our knowledge, functional studies have not been reported for this variant. This variant has not been reported in individuals affected with BAP1-related disorders in the literature. This variant has not been identified in the general population by the Genome Aggregation Database (gnomAD). The available evidence is insufficient to determine the role of this variant in disease conclusively. Therefore, this variant is classified as a Variant of Uncertain Significance.

NM_004656.4(BAP1):c.731G>A (p.Arg244Lys)

Gene: BAP1 (BRCA1 associated deubiquitinase 1; minus strand). Cytogenetic location: 3p21.1.
Variant type: single nucleotide variant.
Coding change: c.731G>A on transcript NM_004656.4 (MANE Select); coding-DNA position 731, G replaced by A.
Protein change: p.Arg244Lys; replaces arginine 244 with lysine.
Molecular consequence: missense variant.
Genome position (GRCh38, 1-based): chr3:52,406,305, C>T on the plus strand (G>A on the coding strand, the complement: BAP1 is on the minus strand). VCF-style: chr3-52406305-C-T. GRCh37 (hg19) VCF-style: chr3-52440321-C-T.
Other names: c.677G>A, p.Arg226Lys (NM_001410772.1); short protein forms R226K, R244K.
Identifiers: ClinVar variation 3893875 (VCV003893875.1).